The following is an entry in ClinVar:

ClinVar aggregate classification (germline): Benign/Likely benign. Review status: criteria provided, multiple submitters, no conflicts (2 of 4 stars). 4 submissions from 4 submitters: Benign (2); Likely benign (2). Last evaluated 2026-01-19.

Conditions:
CABP4-related disorder. Also called: CABP4-related condition.

Allele frequency attached by ClinVar (database versions not stated): gnomAD exomes 0.00014 and 0.00024; ExAC 0.00046; gnomAD 0.00081 and 0.00085; TOPMed 0.00083; ESP Exome Variant Server 0.00085; 1000 Genomes Project 30x 0.00125; 1000 Genomes Project 0.00160.
gnomAD v4.1: 342 of 1,607,974 alleles (0.021%); highest among the groups gnomAD compares: African/African-American, 0.28%; 2 homozygotes.

Submissions (4):

Labcorp Genetics (formerly Invitae), Labcorp
Classification: Benign. Last evaluated: 2026-01-19. Review status: criteria provided, single submitter. Criteria: Invitae Variant Classification Sherloc (09022015). Collection method: clinical testing. Allele origin: germline.

Blueprint Genetics
Classification: Likely benign. Last evaluated: 2024-11-06. Review status: criteria provided, single submitter. Criteria: ACMG Guidelines, 2015. Collection method: clinical testing. Allele origin: germline.

PreventionGenetics, part of Exact Sciences
Classification: Likely benign for CABP4-related condition. Last evaluated: 2024-10-16. Review status: criteria provided, single submitter. Criteria: ACMG Guidelines, 2015. Collection method: clinical testing. Allele origin: germline.
Comment: This variant is classified as likely benign based on ACMG/AMP sequence variant interpretation guidelines (Richards et al. 2015 PMID: 25741868, with internal and published modifications).

Breakthrough Genomics
Classification: Benign. Review status: criteria provided, single submitter. Criteria: ACMG Guidelines, 2015. Collection method: not provided. Allele origin: germline. Inheritance: Autosomal recessive inheritance. Affected: yes.

NM_145200.5(CABP4):c.299G>A (p.Arg100His)

Gene: CABP4 (calcium binding protein 4; plus strand). Cytogenetic location: 11q13.2.
Variant type: single nucleotide variant.
Coding change: c.299G>A on transcript NM_145200.5 (MANE Select); coding-DNA position 299, G replaced by A.
Protein change: p.Arg100His; replaces arginine 100 with histidine.
Molecular consequence: missense variant. On other transcripts: 5 prime UTR variant (3), non-coding transcript variant (1).
Genome position (GRCh38, 1-based): chr11:67,455,722, G>A. VCF-style: chr11-67455722-G-A. GRCh37 (hg19) VCF-style: chr11-67223193-G-A.
Other names: c.-85G>A (NM_001300895.3); c.-99G>A (NM_001300896.3, NM_001379183.1); short protein forms R100H.
Identifiers: ClinVar variation 770051 (VCV000770051.14), dbSNP rs139706575, ClinGen allele CA6140130.
Genomic context (GRCh38, chr11:67,455,722, plus strand): 5'-CGGCGGGCGCACCCCCTGCATCCCCTGGGCCGGCCTCTTCTCGCCAGTCCCACCGACATC[G>A]TCCTGACTCCCTGCACGACGCTGCTCAGAGGACATACGGGCCCCTGCTCAATCGAGTCTT-3'
Protein context (NP_660201.1, residues 90-110): PASSRQSHRH[Arg100His]PDSLHDAAQR